The following is an entry in ClinVar:

NM_001042492.3(NF1):c.6681C>G (p.Asp2227Glu)

Gene: NF1 (neurofibromin 1; plus strand). Cytogenetic location: 17q11.2.
Variant type: single nucleotide variant.
Coding change: c.6681C>G on transcript NM_001042492.3 (MANE Select); coding-DNA position 6681, C replaced by G.
Protein change: p.Asp2227Glu; replaces aspartic acid 2227 with glutamic acid.
Molecular consequence: missense variant.
Genome position (GRCh38, 1-based): chr17:31,337,857, C>G. VCF-style: chr17-31337857-C-G. GRCh37 (hg19) VCF-style: chr17-29664875-C-G.
Other names: c.6618C>G, p.Asp2206Glu (NM_000267.4); short protein forms D2206E, D2227E.
Identifiers: ClinVar variation 1506341 (VCV001506341.9), dbSNP rs876659371, ClinGen allele CA399013866.

ClinVar aggregate classification (germline): Uncertain significance. Review status: criteria provided, multiple submitters, no conflicts (2 of 4 stars). 2 submissions from 2 submitters: Uncertain significance (2). Last evaluated 2025-01-02.

Conditions:
Hereditary cancer-predisposing syndrome. Also called: Tumor predisposition; Hereditary neoplastic syndrome; Neoplastic Syndromes, Hereditary; Hereditary Cancer Syndrome. Identifiers: Orphanet 140162, MedGen C0027672, MeSH D009386, MONDO:0015356.
Cardiovascular phenotype. Identifiers: MedGen CN230736.
Neurofibromatosis, type 1 (NF1). Also called: VON RECKLINGHAUSEN DISEASE; NEUROFIBROMATOSIS, TYPE I, SOMATIC; Peripheral type neurofibromatosis; Neurofibromatosis, type I. Identifiers: Orphanet 636, MedGen C0027831, MONDO:0018975, OMIM 162200. Disease mechanism: loss of function.

Submissions (2):

Ambry Genetics
Classification: Uncertain significance for Cardiovascular phenotype; Hereditary cancer-predisposing syndrome. Last evaluated: 2025-01-02. Review status: criteria provided, single submitter. Criteria: Ambry Variant Classification Scheme 2023. Collection method: clinical testing. Allele origin: germline.
Comment: The p.D2206E variant (also known as c.6618C>G), located in coding exon 43 of the NF1 gene, results from a C to G substitution at nucleotide position 6618. The aspartic acid at codon 2206 is replaced by glutamic acid, an amino acid with highly similar properties. This amino acid position is highly conserved in available vertebrate species. In addition, this alteration is predicted to be tolerated by in silico analysis. Based on the available evidence, the clinical significance of this variant remains unclear.

Labcorp Genetics (formerly Invitae), Labcorp
Classification: Uncertain significance for Neurofibromatosis, type 1. Last evaluated: 2021-04-27. Review status: criteria provided, single submitter. Criteria: Invitae Variant Classification Sherloc (09022015). Collection method: clinical testing. Allele origin: germline.
Comment: In summary, the available evidence is currently insufficient to determine the role of this variant in disease. Therefore, it has been classified as a Variant of Uncertain Significance. Advanced modeling of protein sequence and biophysical properties (such as structural, functional, and spatial information, amino acid conservation, physicochemical variation, residue mobility, and thermodynamic stability) performed at Invitae indicates that this missense variant is not expected to disrupt NF1 protein function. This variant has not been reported in the literature in individuals with NF1-related conditions. This variant is not present in population databases (ExAC no frequency). This sequence change replaces aspartic acid with glutamic acid at codon 2206 of the NF1 protein (p.Asp2206Glu). The aspartic acid residue is moderately conserved and there is a small physicochemical difference between aspartic acid and glutamic acid.